The following is an entry in ClinVar:

NM_001277115.2(DNAH11):c.168C>G (p.Asp56Glu)

Gene: DNAH11 (dynein axonemal heavy chain 11; plus strand). Cytogenetic location: 7p15.3.
Variant type: single nucleotide variant.
Coding change: c.168C>G on transcript NM_001277115.2 (MANE Select); coding-DNA position 168, C replaced by G.
Protein change: p.Asp56Glu; replaces aspartic acid 56 with glutamic acid.
Molecular consequence: missense variant.
Genome position (GRCh38, 1-based): chr7:21,543,413, C>G. VCF-style: chr7-21543413-C-G. GRCh37 (hg19) VCF-style: chr7-21583031-C-G.
Other names: short protein forms D56E.
Identifiers: ClinVar variation 963569 (VCV000963569.12), dbSNP rs978373825, ClinGen allele CA155057857.

ClinVar aggregate classification (germline): Conflicting classifications of pathogenicity. Review status: criteria provided, conflicting classifications (1 of 4 stars). 2 submissions from 2 submitters: Uncertain significance (1); Benign (1). Last evaluated 2025-06-22.

Conditions:
Primary ciliary dyskinesia. Also called: Ciliary dyskinesia. Identifiers: Orphanet 244, MedGen C0008780, MONDO:0016575, HP:0012265.

Allele frequency attached by ClinVar (database versions not stated): gnomAD 0.00004; TOPMed 0.00005; gnomAD exomes 0.00006.
gnomAD v4.1: 18 of 1,554,226 alleles (0.0012%); highest among the groups gnomAD compares: Admixed American, 0.023%; no homozygotes.

Submissions (2):

Labcorp Genetics (formerly Invitae), Labcorp
Classification: Benign for Primary ciliary dyskinesia. Last evaluated: 2025-06-22. Review status: criteria provided, single submitter. Criteria: Invitae Variant Classification Sherloc (09022015). Collection method: clinical testing. Allele origin: germline.

Ambry Genetics
Classification: Uncertain significance for Primary ciliary dyskinesia. Last evaluated: 2015-11-13. Review status: criteria provided, single submitter. Criteria: Ambry Variant Classification Scheme 2023. Collection method: clinical testing. Allele origin: germline.
Comment: The p.D56E variant (also known as c.168C>G), located in coding exon 1 of the DNAH11 gene, results from a C to G substitution at nucleotide position 168. The aspartic acid at codon 56 is replaced by glutamic acid, an amino acid with highly similar properties. This variant was not reported in population based cohorts in the following databases: Database of Single Nucleotide Polymorphisms (dbSNP), NHLBI Exome Sequencing Project (ESP), and 1000 Genomes Project. In the ESP, this variant was not observed in 6000 samples (12000 alleles) with coverage at this position. This amino acid position is highly conserved on limited sequence alignment. In addition, this alteration is predicted to be tolerated by in silico analysis. Since supporting evidence is limited at this time, the clinical significance of this variant remains unclear.